The following is an entry in ClinVar:

NM_001017995.3(SH3PXD2B):c.2643G>C (p.Lys881Asn)

Gene: SH3PXD2B (SH3 and PX domains 2B; minus strand). Cytogenetic location: 5q35.1.
Variant type: single nucleotide variant.
Coding change: c.2643G>C on transcript NM_001017995.3 (MANE Select); coding-DNA position 2643, G replaced by C.
Protein change: p.Lys881Asn; replaces lysine 881 with asparagine.
Molecular consequence: missense variant. On other transcripts: intron variant (1).
Genome position (GRCh38, 1-based): chr5:172,338,462, C>G on the plus strand (G>C on the coding strand, the complement: SH3PXD2B is on the minus strand). VCF-style: chr5-172338462-C-G. GRCh37 (hg19) VCF-style: chr5-171765466-C-G.
Other names: c.1188+7674G>C (NM_001308175.2); short protein forms K881N.
Identifiers: ClinVar variation 2776673 (VCV002776673.3), dbSNP rs1756756150, ClinGen allele CA362145003.

ClinVar aggregate classification (germline): Uncertain significance (1 of 4 stars; one submission).

Submission:

Labcorp Genetics (formerly Invitae), Labcorp
Classification: Uncertain significance. Last evaluated: 2023-04-26. Review status: criteria provided, single submitter. Criteria: Invitae Variant Classification Sherloc (09022015). Collection method: clinical testing. Allele origin: germline.
Comment: In summary, the available evidence is currently insufficient to determine the role of this variant in disease. Therefore, it has been classified as a Variant of Uncertain Significance. An algorithm developed to predict the effect of missense changes on protein structure and function (PolyPhen-2) suggests that this variant is likely to be disruptive. This variant has not been reported in the literature in individuals affected with SH3PXD2B-related conditions. This variant is not present in population databases (gnomAD no frequency). This sequence change replaces lysine, which is basic and polar, with asparagine, which is neutral and polar, at codon 881 of the SH3PXD2B protein (p.Lys881Asn).